The following is an entry in ClinVar:

ClinVar aggregate classification (germline): Likely benign. Review status: criteria provided, multiple submitters, no conflicts (2 of 4 stars). 3 submissions from 3 submitters: Likely benign (3). Last evaluated 2025-11-04.

Conditions:
Fanconi anemia complementation group O. Also called: RAD51C-Related Fanconi Anemia. Identifiers: Orphanet 84, MedGen C3150653, MONDO:0013248, OMIM 613390.
Breast-ovarian cancer, familial, susceptibility to, 3. Also called: RAD51C-Related Breast/Ovarian Cancer. Identifiers: Orphanet 145, MedGen C3150659, MONDO:0013253, OMIM 613399.

Allele frequency attached by ClinVar (database versions not stated): gnomAD 0.00001; gnomAD exomes 0.00001 and 0.00004; TOPMed 0.00001; ExAC 0.00002.
gnomAD v4.1: 9 of 1,609,186 alleles (0.00056%); highest among the groups gnomAD compares: Admixed American, 0.012%; no homozygotes.

Submissions (3):

Labcorp Genetics (formerly Invitae), Labcorp
Classification: Likely benign for Fanconi anemia complementation group O. Last evaluated: 2025-11-04. Review status: criteria provided, single submitter. Criteria: Invitae Variant Classification Sherloc (09022015). Collection method: clinical testing. Allele origin: germline.

Myriad Genetics, Inc.
Classification: Likely benign for Breast-ovarian cancer, familial, susceptibility to, 3. Last evaluated: 2025-02-18. Review status: criteria provided, single submitter. Criteria: Myriad Autosomal Dominant, Autosomal Recessive and X-Linked Classification Criteria (2023). Collection method: clinical testing. Allele origin: unknown.
Comment: This variant is considered likely benign. This variant is intronic and is not expected to impact mRNA splicing.

GeneDx
Classification: Likely benign. Last evaluated: 2017-02-13. Review status: criteria provided, single submitter. Criteria: GeneDx Variant Classification (06012015). Collection method: clinical testing. Allele origin: germline. Affected: yes.
Comment: This variant is considered likely benign or benign based on one or more of the following criteria: it is a conservative change, it occurs at a poorly conserved position in the protein, it is predicted to be benign by multiple in silico algorithms, and/or has population frequency not consistent with disease.

NM_058216.3(RAD51C):c.572-15G>A

Gene: RAD51C (RAD51 paralog C; plus strand). Cytogenetic location: 17q22.
Variant type: single nucleotide variant.
Coding change: c.572-15G>A on transcript NM_058216.3 (MANE Select); 15 bases into the intron before coding-DNA position 572, G replaced by A.
Molecular consequence: intron variant.
Genome position (GRCh38, 1-based): chr17:58,703,181, G>A. VCF-style: chr17-58703181-G-A. GRCh37 (hg19) VCF-style: chr17-56780542-G-A.
Other names: c.572-15G>A (LRG_314t1).
Identifiers: ClinVar variation 517754 (VCV000517754.11), dbSNP rs757896995, ClinGen allele CA8677275.
Genomic context (GRCh38, chr17:58,703,181, plus strand): 5'-AAAAAGCATTGTTTTTCTACAATTGCCAATACATCCAAACAGGTAAAACTAATTAAGAGT[G>A]TTTTGTTGTTTCAGAACACCGAAAAGCTTTGGAGGATTTCACTCTTGATAATATTCTTTC-3'